The following is an entry in ClinVar:

NM_022173.4(TIA1):c.584-14T>A

Gene: TIA1 (TIA1 cytotoxic granule associated RNA binding protein; minus strand). Cytogenetic location: 2p13.3.
Variant type: single nucleotide variant.
Coding change: c.584-14T>A on transcript NM_022173.4 (MANE Select); 14 bases into the intron before coding-DNA position 584, T replaced by A.
Molecular consequence: intron variant.
Genome position (GRCh38, 1-based): chr2:70,216,513, A>T on the plus strand (T>A on the coding strand, the complement: TIA1 is on the minus strand). VCF-style: chr2-70216513-A-T. GRCh37 (hg19) VCF-style: chr2-70443645-A-T.
Other names: c.440-14T>A (NM_001351513.1); c.473-14T>A (NM_001351511.1); c.446-14T>A (NM_001351512.1); c.356-14T>A (NM_001351514.2); c.164-14T>A (NM_001351524.2, NM_001351517.2, NM_001351525.2); c.551-14T>A (NM_001351510.2, NM_022037.4); c.281-14T>A (NM_001351515.2); c.584-14T>A (NM_001351508.2, NM_001351516.2); and 1 more.
Identifiers: ClinVar variation 2079975 (VCV002079975.4), dbSNP rs981223836, ClinGen allele CA49626633.

ClinVar aggregate classification (germline): Uncertain significance (1 of 4 stars; one submission).

Conditions:
Welander distal myopathy (WDM). Also called: Gower's muscular dystrophy; MUSCULAR DYSTROPHY, DISTAL, LATE-ONSET, AUTOSOMAL DOMINANT; Welander distal myopathy, Swedish type; Distal myopathy, Swedish type. Identifiers: Orphanet 603, MedGen C0221054, MONDO:0011466, OMIM 604454.

Allele frequency attached by ClinVar (database versions not stated): gnomAD exomes below 0.00001; TOPMed 0.00001.
gnomAD v4.1: 3 of 1,604,154 alleles (0.00019%); highest among the groups gnomAD compares: Admixed American, 0.0017%; no homozygotes.

Submission:

Labcorp Genetics (formerly Invitae), Labcorp
Classification: Uncertain significance for Welander distal myopathy. Last evaluated: 2026-01-22. Review status: criteria provided, single submitter. Criteria: Invitae Variant Classification Sherloc (09022015). Collection method: clinical testing. Allele origin: germline.
Comment: This sequence change falls in intron 8 of the TIA1 gene. It does not directly change the encoded amino acid sequence of the TIA1 protein. This variant is not present in population databases (gnomAD no frequency). This variant has not been reported in the literature in individuals affected with TIA1-related conditions. ClinVar contains an entry for this variant (Variation ID: 2079975). Algorithms developed to predict the effect of sequence changes on RNA splicing suggest that this variant may disrupt the consensus splice site. In summary, the available evidence is currently insufficient to determine the role of this variant in disease. Therefore, it has been classified as a Variant of Uncertain Significance.